The following is an entry in ClinVar:

ClinVar aggregate classification (germline): Uncertain significance. Review status: criteria provided, multiple submitters, no conflicts (2 of 4 stars). 3 submissions from 3 submitters: Uncertain significance (3). Last evaluated 2024-11-13.

Conditions:
Inborn genetic diseases. Identifiers: MedGen C0950123, MeSH D030342.

Allele frequency attached by ClinVar (database versions not stated): ExAC 0.00003; gnomAD exomes 0.00003; TOPMed 0.00006; gnomAD 0.00007; ESP Exome Variant Server 0.00015.

Submissions (3):

Ambry Genetics
Classification: Uncertain significance for Inborn genetic diseases. Last evaluated: 2024-11-13. Review status: criteria provided, single submitter. Criteria: Ambry Variant Classification Scheme 2023. Collection method: clinical testing. Allele origin: germline.

Labcorp Genetics (formerly Invitae), Labcorp
Classification: Uncertain significance. Last evaluated: 2022-08-16. Review status: criteria provided, single submitter. Criteria: Invitae Variant Classification Sherloc (09022015). Collection method: clinical testing. Allele origin: germline.
Comment: This sequence change replaces threonine, which is neutral and polar, with methionine, which is neutral and non-polar, at codon 395 of the KATNB1 protein (p.Thr395Met). This variant is present in population databases (rs143811277, gnomAD 0.01%). This variant has not been reported in the literature in individuals affected with KATNB1-related conditions. Algorithms developed to predict the effect of missense changes on protein structure and function (SIFT, PolyPhen-2, Align-GVGD) all suggest that this variant is likely to be disruptive. In summary, the available evidence is currently insufficient to determine the role of this variant in disease. Therefore, it has been classified as a Variant of Uncertain Significance.

Breakthrough Genomics
Classification: Uncertain significance. Review status: criteria provided, single submitter. Criteria: ACMG Guidelines, 2015. Collection method: not provided. Allele origin: germline. Inheritance: Autosomal recessive inheritance. Affected: yes.

NM_005886.3(KATNB1):c.1184C>T (p.Thr395Met)

Gene: KATNB1 (katanin regulatory subunit B1; plus strand). Cytogenetic location: 16q21.
Variant type: single nucleotide variant.
Coding change: c.1184C>T on transcript NM_005886.3 (MANE Select); coding-DNA position 1184, C replaced by T.
Protein change: p.Thr395Met; replaces threonine 395 with methionine.
Molecular consequence: missense variant.
Genome position (GRCh38, 1-based): chr16:57,753,951, C>T. VCF-style: chr16-57753951-C-T. GRCh37 (hg19) VCF-style: chr16-57787863-C-T.
Other names: c.1184C>T (NM_005886.2); short protein forms T395M.
Identifiers: ClinVar variation 1912314 (VCV001912314.4), dbSNP rs143811277, ClinGen allele CA8081076.